The following is an entry in ClinVar:

ClinVar aggregate classification (germline): Conflicting classifications of pathogenicity. Review status: criteria provided, conflicting classifications (1 of 4 stars). 11 submissions from 9 submitters: Uncertain significance (10); Likely benign (1). Last evaluated 2025-09-14.

Conditions:
Arrhythmogenic right ventricular dysplasia 8 (ARVD8). Also called: Arrhythmogenic Right Ventricular Dysplasia/Cardiomyopathy 8; ARRHYTHMOGENIC RIGHT VENTRICULAR DYSPLASIA, FAMILIAL, 8; ARRHYTHMOGENIC RIGHT VENTRICULAR CARDIOMYOPATHY 8. Identifiers: MedGen C1843896, MONDO:0011831, OMIM 607450.
Arrhythmogenic cardiomyopathy with wooly hair and keratoderma. Also called: Dilated cardiomyopathy with woolly hair and keratoderma; Arrhythmogenic cardiomyopathy with woolly hair and keratoderma; PALMOPLANTAR KERATODERMA WITH LEFT VENTRICULAR CARDIOMYOPATHY AND WOOLLY HAIR; Carvajal syndrome. Identifiers: Orphanet 65282, MedGen C1854063, MONDO:0011581, OMIM 605676.
Keratosis palmoplantaris striata 2. Also called: Keratosis palmoplantaris striata II; KERATODERMA, PALMOPLANTAR, STRIATE FORM II; STRIATE PALMOPLANTAR KERATODERMA II. Identifiers: MedGen C1852127, MONDO:0013034, OMIM 612908.
Woolly hair-skin fragility syndrome (WHSF). Identifiers: Orphanet 293165, MedGen C1843292, MONDO:0957307, OMIM 620415.
Lethal acantholytic epidermolysis bullosa (EBLA). Identifiers: Orphanet 158687, MedGen C1864826, MONDO:0012323, OMIM 609638.
Cardiomyopathy, dilated, with wooly hair, keratoderma, and tooth agenesis. Also called: Cardiomyopathy, dilated, with woolly hair, keratoderma, and tooth agenesis; Erythrokeratodermia-cardiomyopathy syndrome. Identifiers: Orphanet 476096, Orphanet 65282, MedGen C4014393, MONDO:0014355, OMIM 615821.
DSP-related disorder. Also called: DSP-related condition; DSP-related disorders.
Cardiovascular phenotype. Identifiers: MedGen CN230736.
Cardiomyopathy (CMYO). Also called: Cardiomyopathies. Identifiers: Orphanet 167848, MedGen C0878544, MONDO:0004994, HP:0001638. Inheritance: Various modes of inheritance.

Allele frequency attached by ClinVar (database versions not stated): gnomAD 0.00006; TOPMed 0.00006; gnomAD exomes 0.00007; ExAC 0.00009.
gnomAD v4.1: 136 of 1,613,922 alleles (0.0084%); highest among the groups gnomAD compares: Non-Finnish European, 0.01%; no homozygotes.

Submissions (11):

Labcorp Genetics (formerly Invitae), Labcorp
Classification: Likely benign for Arrhythmogenic cardiomyopathy with wooly hair and keratoderma; Arrhythmogenic right ventricular dysplasia 8. Last evaluated: 2025-09-14. Review status: criteria provided, single submitter. Criteria: Invitae Variant Classification Sherloc (09022015). Collection method: clinical testing. Allele origin: germline.

Women's Health and Genetics/Laboratory Corporation of America, LabCorp
Classification: Uncertain significance. Last evaluated: 2025-09-03. Review status: criteria provided, single submitter. Criteria: LabCorp Variant Classification Summary - May 2015. Collection method: clinical testing. Allele origin: germline.
Comment: Variant summary: DSP c.4117A>G (p.Thr1373Ala) results in a non-conservative amino acid change in the encoded protein sequence. Algorithms developed to predict the effect of missense changes on protein structure and function are either unavailable or do not agree on the potential impact of this missense change. The variant allele was found at a frequency of 6.8e-05 in 250966 control chromosomes (gnomAD). This frequency is not significantly higher than estimated for disease-causing variants in DSP, allowing no conclusion about variant significance. c.4117A>G has been observed in individuals affected with Arrhythmogenic Right Ventricular Dysplasia/Cardiomyopathy (e.g., Lehtinen_2011, Walsh_2017). These reports do not provide unequivocal conclusions about association of the variant with Arrhythmogenic Right Ventricular Dysplasia/Cardiomyopathy. To our knowledge, no experimental evidence demonstrating an impact on protein function has been reported. The following publications have been ascertained in the context of this evaluation (PMID: 21397041, 27532257). ClinVar contains an entry for this variant (Variation ID: 566122). Based on the evidence outlined above, the variant was classified as uncertain significance.

PreventionGenetics, part of Exact Sciences
Classification: Uncertain significance for DSP-related condition. Last evaluated: 2025-06-27. Review status: criteria provided, single submitter. Criteria: ACMG Guidelines, 2015. Collection method: clinical testing. Allele origin: germline.
Comment: The DSP c.4117A>G variant is predicted to result in the amino acid substitution p.Thr1373Ala. This variant has been reported in individuals with arrhythmogenic right ventricular cardiomyopathy (ARVC), in at least two individuals with self-reported arrhythmia, and at least one individual with a clinical diagnosis of paroxysmal tachycardia (Lahtinen et al. 2011. PubMed ID: 21397041; Table S1A, Walsh et al. 2016. PubMed ID: 27532257). This variant has also been reported in a study of individuals affected by sudden cardiac death (Supplemental Material, Vähätalo et al. 2022. PubMed ID: 35087879). This variant is reported in 0.014% of alleles in individuals of European (Finnish) descent in gnomAD, which may be too common to be causative. At this time, the clinical significance of this variant is uncertain due to the absence of conclusive functional and genetic evidence.

Ambry Genetics
Classification: Uncertain significance for Cardiovascular phenotype. Last evaluated: 2024-10-03. Review status: criteria provided, single submitter. Criteria: Ambry Variant Classification Scheme 2023. Collection method: clinical testing. Allele origin: germline.
Comment: The p.T1373A variant (also known as c.4117A>G), located in coding exon 23 of the DSP gene, results from an A to G substitution at nucleotide position 4117. The threonine at codon 1373 is replaced by alanine, an amino acid with similar properties. This alteration has been detected in a cohort referred for arrhythmogenic right ventricular cardiomyopathy (ARVC) genetic testing and in a Finnish cohort of sudden death victims with coronary artery disease; however, clinical details were limited (Walsh R et al. Genet. Med., 2017 02;19:192-203; V&auml;h&auml;talo JH et al. Front Cardiovasc Med. 2021 Jan;8:755062). This variant has also been detected in Finnish control alleles, and in several individuals from an exome cohort without know ARVC; however, details were limited (Haggerty CM et al. Genet Med. 2017 11;19(11):1245-1252; V&auml;h&auml;talo JH et al. Front Cardiovasc Med. 2021 Jan;8:755062). This amino acid position is well conserved in available vertebrate species. In addition, this alteration is predicted to be deleterious by in silico analysis. Since supporting evidence is limited at this time, the clinical significance of this alteration remains unclear.

All of Us Research Program, National Institutes of Health
Classification: Uncertain significance for Arrhythmogenic cardiomyopathy with wooly hair and keratoderma. Last evaluated: 2024-08-29. Review status: criteria provided, single submitter. Criteria: ACMG Guidelines, 2015. Collection method: clinical testing. Allele origin: germline. Inheritance: Autosomal dominant inheritance. Observed: 19 variant alleles, 19 heterozygotes.
Comment: This missense variant replaces threonine with alanine at codon 1373 of the DSP protein. Computational prediction suggests that this variant may not impact protein structure and function (internally defined REVEL score threshold <= 0.5, PMID: 27666373). To our knowledge, functional studies have not been reported for this variant. This variant has been reported in two individuals affected with arrhythmogenic right ventricular cardiomyopathy (PMID: 21397041, 27532257), two individuals with self-reported arrhythmia, and one individual diagnosed with paroxysmal tachycardia (PMID: 21397041), as well as multiple asymptomatic individuals (PMID: 23651034). This variant has also been identified in 17/250966 chromosomes (14/113456 non-Finnish European chromosomes) in the general population by the Genome Aggregation Database (gnomAD). The available evidence is insufficient to determine the role of this variant in disease conclusively. Therefore, this variant is classified as a Variant of Uncertain Significance.

This study involves interpretation of variants in research participants for the purpose of population health screening. Participant phenotype was not available at the time of variant classification. Additional details can be found in publication PMID: 35346344, PMCID: PMC8962531

Color Diagnostics, LLC DBA Color Health
Classification: Uncertain significance for Cardiomyopathy. Last evaluated: 2024-04-09. Review status: criteria provided, single submitter. Criteria: ACMG Guidelines, 2015. Collection method: clinical testing. Allele origin: germline.
Comment: This missense variant replaces threonine with alanine at codon 1373 of the DSP protein. Computational prediction suggests that this variant may not impact protein structure and function (internally defined REVEL score threshold <= 0.5, PMID: 27666373). To our knowledge, functional studies have not been reported for this variant. This variant has been reported in two individuals affected with arrhythmogenic right ventricular cardiomyopathy (PMID: 21397041, 27532257), two individuals with self-reported arrhythmia, and one individual diagnosed with paroxysmal tachycardia (PMID: 21397041), as well as multiple asymptomatic individuals (PMID: 23651034). This variant has also been identified in 17/250966 chromosomes (14/113456 non-Finnish European chromosomes) in the general population by the Genome Aggregation Database (gnomAD). The available evidence is insufficient to determine the role of this variant in disease conclusively. Therefore, this variant is classified as a Variant of Uncertain Significance.

GeneDx
Classification: Uncertain significance. Last evaluated: 2023-03-31. Review status: criteria provided, single submitter. Criteria: GeneDx Variant Classification Process June 2021. Collection method: clinical testing. Allele origin: germline. Affected: yes.
Comment: Reported in association with ARVC and arrhythmia (Lahtinen et al., 2011; Lahtinen et al., 2013; Walsh et al., 2017); In silico analysis supports that this missense variant does not alter protein structure/function; This variant is associated with the following publications: (PMID: 22227473, 21397041, 27532257, 23651034, 35087879, 31402444)

Fulgent Genetics
Classification: Uncertain significance for Arrhythmogenic cardiomyopathy with wooly hair and keratoderma; Arrhythmogenic right ventricular dysplasia 8; Lethal acantholytic epidermolysis bullosa; Keratosis palmoplantaris striata 2; Cardiomyopathy, dilated, with wooly hair, keratoderma, and tooth agenesis. Last evaluated: 2021-09-04. Review status: criteria provided, single submitter. Criteria: ACMG Guidelines, 2015. Collection method: clinical testing. Allele origin: unknown.

Illumina Laboratory Services, Illumina
Classification: Uncertain significance for Lethal acantholytic epidermolysis bullosa. Last evaluated: 2017-04-27. Review status: criteria provided, single submitter. Criteria: ICSL Variant Classification Criteria 13 December 2019. Collection method: clinical testing. Allele origin: germline.

Illumina Laboratory Services, Illumina
Classification: Uncertain significance for Arrhythmogenic cardiomyopathy with wooly hair and keratoderma. Last evaluated: 2017-04-27. Review status: criteria provided, single submitter. Criteria: ICSL Variant Classification Criteria 13 December 2019. Collection method: clinical testing. Allele origin: germline.

Illumina Laboratory Services, Illumina
Classification: Uncertain significance for Arrhythmogenic right ventricular dysplasia 8. Last evaluated: 2017-04-27. Review status: criteria provided, single submitter. Criteria: ICSL Variant Classification Criteria 13 December 2019. Collection method: clinical testing. Allele origin: germline.
Comment: This variant was observed as part of a predisposition screen in an ostensibly healthy population. A literature search was performed for the gene, cDNA change, and amino acid change (where applicable). Publications were found based on this search. However, the evidence from the literature, in combination with allele frequency data from public databases where available, was not sufficient to rule this variant in or out of causing disease. Therefore, this variant is classified as a variant of unknown significance.

Literature cited by the submitters: PubMed 21397041 (cited by 5 submitters); PubMed 27532257 (cited by 4 submitters); PubMed 23651034 (cited by 3 submitters); PubMed 28471438 (cited by Ambry Genetics); PubMed 35087879 (cited by Ambry Genetics).

NM_004415.4(DSP):c.4117A>G (p.Thr1373Ala)

Gene: DSP (desmoplakin; plus strand). Cytogenetic location: 6p24.3.
Variant type: single nucleotide variant.
Coding change: c.4117A>G on transcript NM_004415.4 (MANE Select); coding-DNA position 4117, A replaced by G.
Protein change: p.Thr1373Ala; replaces threonine 1373 with alanine.
Molecular consequence: missense variant. On other transcripts: intron variant (2).
Genome position (GRCh38, 1-based): chr6:7,580,307, A>G. VCF-style: chr6-7580307-A-G. GRCh37 (hg19) VCF-style: chr6-7580540-A-G.
Other names: c.4117A>G (LRG_423t1, NM_004415.3); c.4050+67A>G (NM_001319034.2); c.3582+535A>G (NM_001008844.3); short protein forms T1373A.
Identifiers: ClinVar variation 566122 (VCV000566122.30), dbSNP rs200745877, ClinGen allele CA040186.